The following is an entry in ClinVar:

NM_001356.5(DDX3X):c.107G>T (p.Gly36Val)

Gene: DDX3X (DEAD-box helicase 3 X-linked; plus strand). Cytogenetic location: Xp11.4.
Variant type: single nucleotide variant.
Coding change: c.107G>T on transcript NM_001356.5 (MANE Select); coding-DNA position 107, G replaced by T.
Protein change: p.Gly36Val; replaces glycine 36 with valine.
Molecular consequence: missense variant. On other transcripts: 5 prime UTR variant (1), non-coding transcript variant (1), intron variant (1).
Genome position (GRCh38, 1-based): chrX:41,339,039, G>T. VCF-style: chrX-41339039-G-T. GRCh37 (hg19) VCF-style: chrX-41198292-G-T.
Other names: c.107G>T, p.Gly36Val (NM_001193416.3); c.-452G>T (NM_001363819.1); c.103+1574G>T (NM_001193417.3); short protein forms G36V.
Identifiers: ClinVar variation 4847010 (VCV004847010.1).

ClinVar aggregate classification (germline): Uncertain significance (1 of 4 stars; one submission).

Conditions:
Intellectual disability, X-linked 102 (MRXSSB). Also called: Intellectual developmental disorder, X-linked syndromic, Snijders Blok type. Identifiers: Orphanet 457260, MedGen C5393299, MONDO:0010497, OMIM 300958.

Submission:

Laboratorio de Genetica e Diagnostico Molecular, Hospital Israelita Albert Einstein
Classification: Uncertain significance for Intellectual disability, X-linked 102. Last evaluated: 2025-07-04. Review status: criteria provided, single submitter. Criteria: ACMG Guidelines, 2015. Collection method: clinical testing. Allele origin: germline. Affected: yes.
Comment: ACMG classification criteria: PM2 supporting, PP2 supporting, BP4 supporting